The following is an entry in ClinVar:

ClinVar aggregate classification (germline): Uncertain significance (1 of 4 stars; one submission).

Submission:

Ambry Genetics
Classification: Uncertain significance. Last evaluated: 2024-10-14. Review status: criteria provided, single submitter. Criteria: Ambry Variant Classification Scheme 2023. Collection method: clinical testing. Allele origin: germline.
Comment: The p.N638T variant (also known as c.1913A>C), located in coding exon 14 of the RECQL gene, results from an A to C substitution at nucleotide position 1913. The asparagine at codon 638 is replaced by threonine, an amino acid with similar properties. This amino acid position is conserved. In addition, this alteration is predicted to be tolerated by in silico analysis. Based on the available evidence, the clinical significance of this variant remains unclear.

NM_002907.4(RECQL):c.1913A>C (p.Asn638Thr)

Genes: PYROXD1 (pyridine nucleotide-disulphide oxidoreductase domain 1; plus strand), RECQL (RecQ like helicase; minus strand). Cytogenetic location: 12p12.1.
Variant type: single nucleotide variant.
Coding change: c.1913A>C on transcript NM_002907.4 (MANE Select); coding-DNA position 1913, A replaced by C.
Protein change: p.Asn638Thr; replaces asparagine 638 with threonine.
Molecular consequence: missense variant. On other transcripts: 3 prime UTR variant (3).
Genome position (GRCh38, 1-based): chr12:21,470,231, T>G on the plus strand (A>C on the coding strand, the complement: RECQL is on the minus strand). VCF-style: chr12-21470231-T-G. GRCh37 (hg19) VCF-style: chr12-21623165-T-G.
Other names: c.1913A>C, p.Asn638Thr (NM_032941.3); c.*1477T>G (NM_001350912.2, NM_001350913.2, NM_024854.5); short protein forms N638T.
Identifiers: ClinVar variation 3431807 (VCV003431807.1).
Genomic context (GRCh38, chr12:21,470,231, plus strand): 5'-TAGAAAATTTAGTAACATTCATATCAGGCATCATCGATTTTTCTTTTCTTAGCTCCTGTA[T>G]TCTTAGAACCAGATTGCTGAAGCATGTTTGCAGCCTTCTTCTGGAAGTTGCCTGAATTTT-3'
Protein context (NP_002898.2, residues 628-648): ANMLQQSGSK[Asn638Thr]TGAKKRKIDD